The following is an entry in ClinVar:

NM_005198.5(CHKB):c.466C>G (p.Gln156Glu)

Genes: CHKB-CPT1B (CHKB-CPT1B readthrough (NMD candidate); minus strand), CHKB (choline kinase beta; minus strand). Cytogenetic location: 22q13.33.
Variant type: single nucleotide variant.
Coding change: c.466C>G on transcript NM_005198.5 (MANE Select); coding-DNA position 466, C replaced by G.
Protein change: p.Gln156Glu; replaces glutamine 156 with glutamic acid.
Molecular consequence: missense variant. On other transcripts: non-coding transcript variant (1).
Genome position (GRCh38, 1-based): chr22:50,581,535, G>C on the plus strand (C>G on the coding strand, the complement: CHKB is on the minus strand). VCF-style: chr22-50581535-G-C. GRCh37 (hg19) VCF-style: chr22-51019964-G-C.
Other names: short protein forms Q156E.
Identifiers: ClinVar variation 468474 (VCV000468474.9), dbSNP rs764016359, ClinGen allele CA10323763.

ClinVar aggregate classification (germline): Uncertain significance. Review status: criteria provided, multiple submitters, no conflicts (2 of 4 stars). 2 submissions from 2 submitters: Uncertain significance (2). Last evaluated 2024-07-31.

Conditions:
Inborn genetic diseases. Identifiers: MedGen C0950123, MeSH D030342.
Megaconial type congenital muscular dystrophy (MDCMC). Also called: CHKB-Related Muscle Diseases; MUSCULAR DYSTROPHY, CONGENITAL, WITH MITOCHONDRIAL STRUCTURAL ABNORMALITIES; CHKB-Related Muscular Dystrophy. Identifiers: Orphanet 280671, MedGen C1865233, MONDO:0011246, OMIM 602541.

Allele frequency attached by ClinVar (database versions not stated): gnomAD below 0.00001 and 0.00004; TOPMed 0.00001; ExAC 0.00002; gnomAD exomes 0.00002 and 0.00003.
gnomAD v4.1: 36 of 1,613,842 alleles (0.0022%); highest among the groups gnomAD compares: South Asian, 0.038%; no homozygotes.

Submissions (2):

Ambry Genetics
Classification: Uncertain significance for Inborn genetic diseases. Last evaluated: 2024-07-31. Review status: criteria provided, single submitter. Criteria: Ambry Variant Classification Scheme 2023. Collection method: clinical testing. Allele origin: germline.

Labcorp Genetics (formerly Invitae), Labcorp
Classification: Uncertain significance for Megaconial type congenital muscular dystrophy. Last evaluated: 2022-08-22. Review status: criteria provided, single submitter. Criteria: Invitae Variant Classification Sherloc (09022015). Collection method: clinical testing. Allele origin: germline.
Comment: This sequence change replaces glutamine, which is neutral and polar, with glutamic acid, which is acidic and polar, at codon 156 of the CHKB protein (p.Gln156Glu). In summary, the available evidence is currently insufficient to determine the role of this variant in disease. Therefore, it has been classified as a Variant of Uncertain Significance. Algorithms developed to predict the effect of missense changes on protein structure and function (SIFT, PolyPhen-2, Align-GVGD) all suggest that this variant is likely to be tolerated. ClinVar contains an entry for this variant (Variation ID: 468474). This variant has not been reported in the literature in individuals affected with CHKB-related conditions. This variant is present in population databases (rs764016359, gnomAD 0.03%).